The following is an entry in ClinVar:

ClinVar aggregate classification (germline): Uncertain significance. Review status: criteria provided, multiple submitters, no conflicts (2 of 4 stars). 2 submissions from 2 submitters: Uncertain significance (2). Last evaluated 2025-01-02.

Conditions:
Inborn genetic diseases. Identifiers: MedGen C0950123, MeSH D030342.
Deficiency of 3-hydroxyacyl-CoA dehydrogenase. Also called: HADH DEFICIENCY; 3-hydroxyacyl-CoA dehydrogenase deficiency. Identifiers: Orphanet 309127, Orphanet 71212, MedGen C1291230, MONDO:0017715, OMIM 231530.

gnomAD v4.1: 5 of 1,611,258 alleles (0.00031%); highest among the groups gnomAD compares: Non-Finnish European, 0.00042%; no homozygotes.

Submissions (2):

Ambry Genetics
Classification: Uncertain significance for Inborn genetic diseases. Last evaluated: 2025-01-02. Review status: criteria provided, single submitter. Criteria: Ambry Variant Classification Scheme 2023. Collection method: clinical testing. Allele origin: germline.

Labcorp Genetics (formerly Invitae), Labcorp
Classification: Uncertain significance for Deficiency of 3-hydroxyacyl-CoA dehydrogenase. Last evaluated: 2023-10-13. Review status: criteria provided, single submitter. Criteria: Invitae Variant Classification Sherloc (09022015). Collection method: clinical testing. Allele origin: germline.
Comment: This sequence change replaces glycine, which is neutral and non-polar, with serine, which is neutral and polar, at codon 34 of the HADH protein (p.Gly34Ser). The frequency data for this variant in the population databases is considered unreliable, as metrics indicate poor data quality at this position in the gnomAD database. This variant has not been reported in the literature in individuals affected with HADH-related conditions. ClinVar contains an entry for this variant (Variation ID: 1395603). Advanced modeling of protein sequence and biophysical properties (such as structural, functional, and spatial information, amino acid conservation, physicochemical variation, residue mobility, and thermodynamic stability) performed at Invitae indicates that this missense variant is expected to disrupt HADH protein function. In summary, the available evidence is currently insufficient to determine the role of this variant in disease. Therefore, it has been classified as a Variant of Uncertain Significance.

NM_005327.7(HADH):c.100G>A (p.Gly34Ser)

Gene: HADH (hydroxyacyl-CoA dehydrogenase; plus strand). Cytogenetic location: 4q25.
Variant type: single nucleotide variant.
Coding change: c.100G>A on transcript NM_005327.7 (MANE Select); coding-DNA position 100, G replaced by A.
Protein change: p.Gly34Ser; replaces glycine 34 with serine.
Molecular consequence: missense variant.
Genome position (GRCh38, 1-based): chr4:107,990,032, G>A. VCF-style: chr4-107990032-G-A. GRCh37 (hg19) VCF-style: chr4-108911188-G-A.
Other names: c.100G>A, p.Gly34Ser (NM_001184705.4); c.100G>A (NM_005327.4); short protein forms G34S.
Identifiers: ClinVar variation 1395603 (VCV001395603.7), dbSNP rs779135938, ClinGen allele CA357828924.
Genomic context (GRCh38, chr4:107,990,032, plus strand): 5'-TCCTCGTCCACCGCCTCGGCCTCGGCCAAGAAGATAATCGTCAAGCACGTGACGGTCATC[G>A]GCGGCGGGCTGATGGGCGCCGGCATTGCCCAGGTGAGCGGCCCTCCCTGCAGCGTGCCCA-3'
Protein context (NP_005318.6, residues 24-44): KIIVKHVTVI[Gly34Ser]GGLMGAGIAQ